The following is an entry in ClinVar:

ClinVar aggregate classification (germline): Pathogenic (1 of 4 stars; one submission).

Submission:

Labcorp Genetics (formerly Invitae), Labcorp
Classification: Pathogenic. Last evaluated: 2022-09-27. Review status: criteria provided, single submitter. Criteria: Invitae Variant Classification Sherloc (09022015). Collection method: clinical testing. Allele origin: germline.
Comment: This sequence change creates a premature translational stop signal (p.Pro753Trpfs*18) in the ATP2C1 gene. It is expected to result in an absent or disrupted protein product. Loss-of-function variants in ATP2C1 are known to be pathogenic (PMID: 10615129, 10767338, 11841554). This variant is not present in population databases (gnomAD no frequency). This variant has not been reported in the literature in individuals affected with ATP2C1-related conditions. For these reasons, this variant has been classified as Pathogenic.

Literature cited by the submitters: PubMed 10615129; PubMed 10767338; PubMed 11841554.

NM_001378687.1(ATP2C1):c.2256_2259del (p.Pro753fs)

Gene: ATP2C1 (ATPase secretory pathway Ca2+ transporting 1; plus strand). Cytogenetic location: 3q22.1.
Variant type: Deletion.
Coding change: c.2256_2259del on transcript NM_001378687.1 (MANE Select); coding-DNA positions 2256 to 2259, 4 bases deleted (ACCA; older notation c.2256_2259delACCA).
Protein change: p.Pro753fs; shifts the reading frame from proline 753.
Molecular consequence: frameshift variant.
Genome position (GRCh38, 1-based): chr3:130,997,618-130,997,621, ACCA deleted; deleting any 4 consecutive bases within chr3:130,997,617-130,997,621 gives the same sequence; the c. name uses the placement nearest the transcript's 3' end. VCF-style (leftmost placement, unchanged base first): chr3-130997616-GAACC-G. GRCh37 (hg19) VCF-style: chr3-130716460-GAACC-G.
Other names: c.2256_2259del, p.Pro753fs (NM_001001485.3, NM_001001486.2, NM_001001487.2 and 5 more transcripts); c.2358_2361del, p.Pro787fs (NM_001199180.2, NM_001199181.3, NM_001378511.1); c.2241_2244del, p.Pro748fs (NM_001199182.2); c.2208_2211del, p.Pro737fs (NM_001199183.2, NM_001199184.3, NM_001378514.1); short protein forms P737fs, P748fs, P753fs, P787fs.
Identifiers: ClinVar variation 2031331 (VCV002031331.4), dbSNP rs2531628823, ClinGen allele CA2580068759.